The following is an entry in ClinVar:

NM_004385.5(VCAN):c.6044T>G (p.Leu2015Arg)

Genes: VCAN (versican; plus strand), VCAN-AS1 (VCAN antisense RNA 1; minus strand). Cytogenetic location: 5q14.3.
Variant type: single nucleotide variant.
Coding change: c.6044T>G on transcript NM_004385.5 (MANE Select); coding-DNA position 6044, T replaced by G.
Protein change: p.Leu2015Arg; replaces leucine 2015 with arginine.
Molecular consequence: missense variant. On other transcripts: intron variant (2).
Genome position (GRCh38, 1-based): chr5:83,539,047, T>G. VCF-style: chr5-83539047-T-G. GRCh37 (hg19) VCF-style: chr5-82834866-T-G.
Other names: c.3083T>G, p.Leu1028Arg (NM_001164097.2); c.4004-6490T>G (NM_001164098.2); c.1043-6490T>G (NM_001126336.3); short protein forms L2015R, L1028R.
Identifiers: ClinVar variation 1369137 (VCV001369137.8), dbSNP rs2112443851, ClinGen allele CA360311711.

ClinVar aggregate classification (germline): Uncertain significance (1 of 4 stars; one submission).

Submission:

Labcorp Genetics (formerly Invitae), Labcorp
Classification: Uncertain significance. Last evaluated: 2021-02-02. Review status: criteria provided, single submitter. Criteria: Invitae Variant Classification Sherloc (09022015). Collection method: clinical testing. Allele origin: germline.
Comment: This variant has not been reported in the literature in individuals with VCAN-related conditions. Algorithms developed to predict the effect of missense changes on protein structure and function are either unavailable or do not agree on the potential impact of this missense change (SIFT: "Deleterious"; PolyPhen-2: "Possibly Damaging"; Align-GVGD: "Class C0"). In summary, the available evidence is currently insufficient to determine the role of this variant in disease. Therefore, it has been classified as a Variant of Uncertain Significance. This variant is not present in population databases (ExAC no frequency). This sequence change replaces leucine with arginine at codon 2015 of the VCAN protein (p.Leu2015Arg). The leucine residue is highly conserved and there is a moderate physicochemical difference between leucine and arginine.